The following is an entry in ClinVar:

ClinVar aggregate classification (germline): Uncertain significance. Review status: criteria provided, multiple submitters, no conflicts (2 of 4 stars). 2 submissions from 2 submitters: Uncertain significance (2). Last evaluated 2025-05-30.

Conditions:
Inborn genetic diseases. Identifiers: MedGen C0950123, MeSH D030342.

Allele frequency attached by ClinVar (database versions not stated): ExAC 0.00003; gnomAD exomes 0.00003.
gnomAD v4.1: 16 of 1,598,000 alleles (0.001%); highest among the groups gnomAD compares: South Asian, 0.018%; 1 homozygote.

Submissions (2):

Ambry Genetics
Classification: Uncertain significance for Inborn genetic diseases. Last evaluated: 2025-05-30. Review status: criteria provided, single submitter. Criteria: Ambry Variant Classification Scheme 2023. Collection method: clinical testing. Allele origin: germline.

Labcorp Genetics (formerly Invitae), Labcorp
Classification: Uncertain significance. Last evaluated: 2023-06-15. Review status: criteria provided, single submitter. Criteria: Invitae Variant Classification Sherloc (09022015). Collection method: clinical testing. Allele origin: germline.
Comment: This sequence change replaces aspartic acid, which is acidic and polar, with asparagine, which is neutral and polar, at codon 987 of the DNA2 protein (p.Asp987Asn). This variant is present in population databases (rs759436114, gnomAD 0.01%). This variant has not been reported in the literature in individuals affected with DNA2-related conditions. ClinVar contains an entry for this variant (Variation ID: 1925938). Advanced modeling of protein sequence and biophysical properties (such as structural, functional, and spatial information, amino acid conservation, physicochemical variation, residue mobility, and thermodynamic stability) performed at Invitae indicates that this missense variant is not expected to disrupt DNA2 protein function. In summary, the available evidence is currently insufficient to determine the role of this variant in disease. Therefore, it has been classified as a Variant of Uncertain Significance.

NM_001080449.3(DNA2):c.2959G>A (p.Asp987Asn)

Gene: DNA2 (DNA replication helicase/nuclease 2; minus strand). Cytogenetic location: 10q21.3.
Variant type: single nucleotide variant.
Coding change: c.2959G>A on transcript NM_001080449.3 (MANE Select); coding-DNA position 2959, G replaced by A.
Protein change: p.Asp987Asn; replaces aspartic acid 987 with asparagine.
Molecular consequence: missense variant. On other transcripts: non-coding transcript variant (1).
Genome position (GRCh38, 1-based): chr10:68,419,042, C>T on the plus strand (G>A on the coding strand, the complement: DNA2 is on the minus strand). VCF-style: chr10-68419042-C-T. GRCh37 (hg19) VCF-style: chr10-70178799-C-T.
Other names: c.2959G>A (NM_001080449.2); short protein forms D987N.
Identifiers: ClinVar variation 1925938 (VCV001925938.6), dbSNP rs759436114, ClinGen allele CA5524705.